The following is an entry in ClinVar:

ClinVar aggregate classification (germline): Uncertain significance. Review status: reviewed by expert panel (3 of 4 stars). 5 submissions from 5 submitters: Uncertain significance (1). 4 of the submissions do not count toward it. Last evaluated 2025-08-01.

Conditions:
Malignant hyperthermia, susceptibility to, 1 (MHS1). Also called: RYR1-Related Malignant Hyperthermia Susceptibility; Anesthesia related hyperthermia; Malignant hyperpyrexia; Fulminating hyperpyrexia; Pharmacogenic myopathy; Malignant hyperthermia suceptibility 1. Identifiers: Orphanet 423, MedGen C2930980, MONDO:0007783, OMIM 145600.
RYR1-related disorder. Also called: RYR1-related condition; RYR1-related disorders. Identifiers: MedGen CN239331.

Allele frequency attached by ClinVar (database versions not stated): TOPMed below 0.00001; gnomAD 0.00001; gnomAD exomes 0.00001 and 0.00002; ExAC 0.00003.
gnomAD v4.1: 11 of 1,611,054 alleles (0.00068%); highest among the groups gnomAD compares: Admixed American, 0.0033%; no homozygotes.

Submissions (5):

ClinGen Malignant Hyperthermia Susceptibility Variant Curation Expert Panel, ClinGen
Classification: Uncertain significance for Malignant hyperthermia, susceptibility to, 1. Last evaluated: 2025-08-01. Review status: reviewed by expert panel. Criteria: ClinGen MHS ACMG Specifications V2. Collection method: curation. Allele origin: germline. Inheritance: Autosomal dominant inheritance. Study: ClinGen.
Comment: This pathogenicity assessment is relevant only for malignant hyperthermia susceptibility (MHS) inherited in an autosomal dominant pattern. Variants in RYR1 can also cause other myopathies inherited in an autosomal dominant pattern or in an autosomal recessive pattern. Some of these disorders may predispose individuals to malignant hyperthermia. RYR1 variants may also contribute to a malignant hyperthermia reaction in combination with other genetic and non-genetic factors and the clinician needs to consider such factors in making management decisions. This sequence variant predicts a substitution of asparagine with serine at codon 1678 of the RYR1 protein p.(Asn1678Ser). The maximum allele frequency for this variant among the six major gnomAD populations is SAS:0.000033, a frequency consistent with pathogenicity for MHS. This variant has been reported in one individual who had a personal or family history of a malignant hyperthermia reaction and a positive in vitro contracture test (IVCT) result (when the proband was unavailable for testing a positive diagnostic test result in a mutation positive relative was counted) (PMID:30236257), this individual was also reported to have a pathogenic variant in RYR1, p.Gly2434Arg, and was not considered for PS4 (personal communication, The UK (Leeds) MH Unit). No functional studies were identified for this variant. This variant does not reside in a hotspot for pathogenic variants that contribute to MHS (PMID: 21118704). A REVEL score <0.5 supports a benign status, BP4. Based on using Bayes to combine criteria this variant is assessed to be a Variant of Uncertain Significance, (PMID: 29300386). Criteria implemented: BP4.

Color Diagnostics, LLC DBA Color Health
Classification: Uncertain significance for Malignant hyperthermia, susceptibility to, 1. Last evaluated: 2025-06-24. Review status: criteria provided, single submitter. Criteria: ACMG Guidelines, 2015. Collection method: clinical testing. Allele origin: germline. Not counted in ClinVar's aggregate classification.
Comment: This missense variant replaces asparagine with serine at codon 1678 of the RYR1 protein. Computational prediction suggests that this variant may not impact protein structure and function. To our knowledge, functional studies have not been reported for this variant. This variant has been reported in an individual affected with malignant hyperthermia susceptibility, this individual also carried a pathogenic variant in the RYR1 gene that could explain the observed phenotype (PMID: 30236257). This variant has not been identified in the general population by the Genome Aggregation Database (gnomAD). The available evidence is insufficient to determine the role of this variant in disease conclusively. Therefore, this variant is classified as a Variant of Uncertain Significance.

Women's Health and Genetics/Laboratory Corporation of America, LabCorp
Classification: Uncertain significance. Last evaluated: 2024-12-04. Review status: criteria provided, single submitter. Criteria: LabCorp Variant Classification Summary - May 2015. Collection method: clinical testing. Allele origin: germline. Not counted in ClinVar's aggregate classification.
Comment: Variant summary: RYR1 c.5033A>G (p.Asn1678Ser) results in a conservative amino acid change in the encoded protein sequence. Three of five in-silico tools predict a benign effect of the variant on protein function. The variant allele was found at a frequency of 1.6e-05 in 246010 control chromosomes (gnomAD). The available data on variant occurrences in the general population are insufficient to allow any conclusion about variant significance. c.5033A>G has been reported in the literature in an individual(s) affected with Malignant Hyperthermia Susceptibility without strong evidence of causality (Miller_2018). This report does not provide unequivocal conclusions about association of the variant with Malignant Hyperthermia Susceptibility. To our knowledge, no experimental evidence demonstrating an impact on protein function has been reported. The following publication has been ascertained in the context of this evaluation (PMID: 30236257). ClinVar contains an entry for this variant (Variation ID: 1214007). Based on the evidence outlined above, the variant was classified as uncertain significance.

All of Us Research Program, National Institutes of Health
Classification: Uncertain significance for Malignant hyperthermia, susceptibility to, 1. Last evaluated: 2023-12-01. Review status: criteria provided, single submitter. Criteria: ACMG Guidelines, 2015. Collection method: clinical testing. Allele origin: germline. Inheritance: Autosomal dominant inheritance. Observed: 3 variant alleles, 3 heterozygotes. Not counted in ClinVar's aggregate classification.
Comment: This missense variant replaces asparagine with serine at codon 1678 of the RYR1 protein. Computational prediction suggests that this variant may not impact protein structure and function (internally defined REVEL score threshold <= 0.5, PMID: 27666373). To our knowledge, functional studies have not been reported for this variant. This variant has been reported in an individual affected with malignant hyperthermia susceptibility, this individual also carried a pathogenic variant in the RYR1 gene that could explain the observed phenotype (PMID: 30236257). This variant has not been identified in the general population by the Genome Aggregation Database (gnomAD). The available evidence is insufficient to determine the role of this variant in disease conclusively. Therefore, this variant is classified as a Variant of Uncertain Significance.

This study involves interpretation of variants in research participants for the purpose of population health screening. Participant phenotype was not available at the time of variant classification. Additional details can be found in publication PMID: 35346344, PMCID: PMC8962531

Labcorp Genetics (formerly Invitae), Labcorp
Classification: Uncertain significance for RYR1-related disorder. Last evaluated: 2022-07-19. Review status: criteria provided, single submitter. Criteria: Invitae Variant Classification Sherloc (09022015). Collection method: clinical testing. Allele origin: germline. Not counted in ClinVar's aggregate classification.
Comment: This sequence change replaces asparagine, which is neutral and polar, with serine, which is neutral and polar, at codon 1678 of the RYR1 protein (p.Asn1678Ser). The frequency data for this variant in the population databases is considered unreliable, as metrics indicate poor data quality at this position in the gnomAD database. This variant has not been reported in the literature in individuals affected with RYR1-related conditions. ClinVar contains an entry for this variant (Variation ID: 1214007). Advanced modeling of protein sequence and biophysical properties (such as structural, functional, and spatial information, amino acid conservation, physicochemical variation, residue mobility, and thermodynamic stability) performed at Invitae indicates that this missense variant is not expected to disrupt RYR1 protein function. Algorithms developed to predict the effect of sequence changes on RNA splicing suggest that this variant may create or strengthen a splice site. In summary, the available evidence is currently insufficient to determine the role of this variant in disease. Therefore, it has been classified as a Variant of Uncertain Significance.

Literature cited by the submitters: PubMed 30236257 (cited by 3 submitters).

NM_000540.3(RYR1):c.5033A>G (p.Asn1678Ser)

Gene: RYR1 (ryanodine receptor 1; plus strand). Cytogenetic location: 19q13.2.
Variant type: single nucleotide variant.
Coding change: c.5033A>G on transcript NM_000540.3 (MANE Select); coding-DNA position 5033, A replaced by G.
Protein change: p.Asn1678Ser; replaces asparagine 1678 with serine.
Molecular consequence: missense variant.
Genome position (GRCh38, 1-based): chr19:38,485,688, A>G. VCF-style: chr19-38485688-A-G. GRCh37 (hg19) VCF-style: chr19-38976328-A-G.
Other names: NM_000540.2(RYR1):c.5033A>G; p.Asn1678Ser; NM_000540.3(RYR1):c.5033A>G; p.(Asn1678Ser); NM_001042723.2:c.5033A>G; c.5033A>G, p.Asn1678Ser (NM_001042723.2); short protein forms N1678S.
Identifiers: ClinVar variation 1214007 (VCV001214007.10), dbSNP rs781104539, ClinGen allele CA066616.